The following is an entry in ClinVar:

ClinVar aggregate classification (germline): Uncertain significance (1 of 4 stars; one submission).

Conditions:
Cardiovascular phenotype. Identifiers: MedGen CN230736.

Submission:

Ambry Genetics
Classification: Uncertain significance for Cardiovascular phenotype. Last evaluated: 2025-02-22. Review status: criteria provided, single submitter. Criteria: Ambry Variant Classification Scheme 2023. Collection method: clinical testing. Allele origin: germline.
Comment: The p.V1823E variant (also known as c.5468T>A), located in coding exon 39 of the ABCA1 gene, results from a T to A substitution at nucleotide position 5468. The valine at codon 1823 is replaced by glutamic acid, an amino acid with dissimilar properties. This amino acid position is conserved. In addition, this alteration is predicted to be deleterious by in silico analysis. Based on the available evidence, the clinical significance of this variant remains unclear.

NM_005502.4(ABCA1):c.5468T>A (p.Val1823Glu)

Gene: ABCA1 (ATP binding cassette subfamily A member 1; minus strand). Cytogenetic location: 9q31.1.
Variant type: single nucleotide variant.
Coding change: c.5468T>A on transcript NM_005502.4 (MANE Select); coding-DNA position 5468, T replaced by A.
Protein change: p.Val1823Glu; replaces valine 1823 with glutamic acid.
Molecular consequence: missense variant.
Genome position (GRCh38, 1-based): chr9:104,794,425, A>T on the plus strand (T>A on the coding strand, the complement: ABCA1 is on the minus strand). VCF-style: chr9-104794425-A-T. GRCh37 (hg19) VCF-style: chr9-107556706-A-T.
Other names: short protein forms V1823E.
Identifiers: ClinVar variation 3834923 (VCV003834923.1).